The following is an entry in ClinVar:

NM_001128425.2(MUTYH):c.3G>C (p.Met1Ile)

Genes: MUTYH (mutY DNA glycosylase; minus strand), TOE1 (target of EGR1, exonuclease; plus strand). Cytogenetic location: 1p34.1.
Variant type: single nucleotide variant.
Coding change: c.3G>C on transcript NM_001128425.2 (MANE Plus Clinical); coding-DNA position 3, G replaced by C.
Protein change: p.Met1Ile; changes the start codon (methionine 1).
Molecular consequence: missense variant, initiator codon variant. On other transcripts: 5 prime UTR variant (8), non-coding transcript variant (3).
Genome position (GRCh38, 1-based): chr1:45,340,252, C>G on the plus strand (G>C on the coding strand, the complement: MUTYH is on the minus strand). VCF-style: chr1-45340252-C-G. GRCh37 (hg19) VCF-style: chr1-45805924-C-G.
Other names: c.-1C>G (NM_025077.4); c.-40G>C (NM_001048171.2); c.3G>C, p.Met1Ile (NM_001293190.2, NM_001407069.1, NM_001407073.1 and 1 more transcripts); c.-252G>C (NM_001293192.2); c.-311G>C (NM_001350650.2); c.-247G>C (NM_001350651.2); c.-56G>C (NM_001407070.1, NM_001407071.1); c.-36G>C (NM_001407072.1); short protein forms M1I.
Identifiers: ClinVar variation 1736909 (VCV001736909.4), dbSNP rs757906591, ClinGen allele CA340137924.
Genomic context (GRCh38, chr1:45,340,252, plus strand): 5'-AGGAGACGGACCGCAAGTCCAGCGTACCCACAGACGACTCAGGCGGGAGACGAGCGGTGT[C>G]ATGGCCGCCGACAGTGACGATGGCGCAGTTTCAGCTCCCGCAGCTTCCGACGGTGAGCGG-3'
Protein context (NP_001121897.1, residues 1-11): [Met1Ile]TPLVSRLSRL

ClinVar aggregate classification (germline): Uncertain significance (1 of 4 stars; one submission).

Conditions:
Hereditary cancer-predisposing syndrome. Also called: Hereditary neoplastic syndrome; Neoplastic Syndromes, Hereditary; Tumor predisposition; Hereditary Cancer Syndrome. Identifiers: Orphanet 140162, MedGen C0027672, MeSH D009386, MONDO:0015356.

Submission:

Ambry Genetics
Classification: Uncertain significance for Hereditary cancer-predisposing syndrome. Last evaluated: 2025-09-04. Review status: criteria provided, single submitter. Criteria: Ambry Variant Classification Scheme 2023. Collection method: clinical testing. Allele origin: germline.
Comment: The p.M1? variant (also known as c.3G>C) is located in coding exon 1 of the MUTYH gene and results from a G to C substitution at nucleotide position 3. This alters the methionine residue at the initiation codon (ATG). However, there are alternative initiation (or start) codons in other biologically relevant transcripts. The MUTYH gene contains two alternate initiation sites located at codon 15 and 54 producing the beta and gamma isoforms of the protein (Parker AR, Cell. Mol. Life Sci. 2003 Oct; 60(10):2064-83). These isoforms have been shown to be expressed in a wide variety of tissue types, although at lower levels than the M1-alpha isoform, and lacking the mitochondrial localization signal located in the first 14 amino acids (Plotz G, Hum. Mutat. 2012 Jul; 33(7):1067-74). This amino acid position is highly conserved in available vertebrate species. Based on the available evidence, the clinical significance of this variant remains unclear.